The following is an entry in ClinVar:

NM_016239.4(MYO15A):c.7798G>A (p.Gly2600Arg)

Gene: MYO15A (myosin XVA; plus strand). Cytogenetic location: 17p11.2.
Variant type: single nucleotide variant.
Coding change: c.7798G>A on transcript NM_016239.4 (MANE Select); coding-DNA position 7798, G replaced by A.
Protein change: p.Gly2600Arg; replaces glycine 2600 with arginine.
Molecular consequence: missense variant.
Genome position (GRCh38, 1-based): chr17:18,151,856, G>A. VCF-style: chr17-18151856-G-A. GRCh37 (hg19) VCF-style: chr17-18055170-G-A.
Other names: short protein forms G2600R.
Identifiers: ClinVar variation 2387474 (VCV002387474.4), dbSNP rs759830393, ClinGen allele CA8424954.
Genomic context (GRCh38, chr17:18,151,856, plus strand): 5'-GGGAAAGGGAGACTCAGTGTCAACCCACCACAGTACTCCAATGCCCACAGGAAGGATGGC[G>A]GGAAAGTGTTCATGAAGCGGCCAGACCCTCATGAGGAGGCCCTGATGATCCTGAAAGGGC-3'
Protein context (NP_057323.3, residues 2590-2610): GRPEALRKDG[Gly2600Arg]KVFMKRPDPH

ClinVar aggregate classification (germline): Uncertain significance. Review status: criteria provided, multiple submitters, no conflicts (2 of 4 stars). 3 submissions from 3 submitters: Uncertain significance (3). Last evaluated 2025-04-25.

Conditions:
Inborn genetic diseases. Identifiers: MedGen C0950123, MeSH D030342.

Allele frequency attached by ClinVar (database versions not stated): gnomAD 0.00002; TOPMed 0.00006; gnomAD exomes 0.00007.
gnomAD v4.1: 99 of 1,576,116 alleles (0.0063%); highest among the groups gnomAD compares: Middle Eastern, 0.033%; no homozygotes.

Submissions (3):

GeneDx
Classification: Uncertain significance. Last evaluated: 2025-04-25. Review status: criteria provided, single submitter. Criteria: GeneDx Variant Classification Process June 2021. Collection method: clinical testing. Allele origin: germline. Affected: yes.
Comment: In silico analysis indicates that this missense variant does not alter protein structure/function; Has not been previously published as pathogenic or benign to our knowledge

Blueprint Genetics
Classification: Uncertain significance. Last evaluated: 2022-11-09. Review status: criteria provided, single submitter. Criteria: ACMG Guidelines, 2015. Collection method: clinical testing. Allele origin: germline.

Ambry Genetics
Classification: Uncertain significance for Inborn genetic diseases. Last evaluated: 2021-08-04. Review status: criteria provided, single submitter. Criteria: Ambry Variant Classification Scheme 2023. Collection method: clinical testing. Allele origin: germline.